The following is an entry in ClinVar:

NM_001408.3(CELSR2):c.4884T>C (p.His1628=)

Gene: CELSR2 (cadherin EGF LAG seven-pass G-type receptor 2; plus strand). Cytogenetic location: 1p13.3.
Variant type: single nucleotide variant.
Coding change: c.4884T>C on transcript NM_001408.3 (MANE Select); coding-DNA position 4884, T replaced by C.
Protein change: p.His1628=; no amino-acid change (histidine 1628 retained).
Molecular consequence: synonymous variant.
Genome position (GRCh38, 1-based): chr1:109,263,660, T>C. VCF-style: chr1-109263660-T-C. GRCh37 (hg19) VCF-style: chr1-109806282-T-C.
Identifiers: ClinVar variation 2638973 (VCV002638973.24), dbSNP rs778188324, ClinGen allele CA987367.

ClinVar aggregate classification (germline): Likely benign (1 of 4 stars; one submission).

Allele frequency attached by ClinVar (database versions not stated): ExAC 0.00002; gnomAD exomes 0.00002; gnomAD 0.00035; TOPMed 0.00037.
gnomAD v4.1: 89 of 1,614,026 alleles (0.0055%); highest among the groups gnomAD compares: Admixed American, 0.1%; 2 homozygotes.

Submission:

CeGaT Center for Human Genetics Tuebingen
Classification: Likely benign. Last evaluated: 2022-05-01. Review status: criteria provided, single submitter. Criteria: CeGaT Center For Human Genetics Tuebingen Variant Classification Criteria Version 2. Collection method: clinical testing. Allele origin: germline. Affected: yes. Observed: 1 variant allele.
Comment: CELSR2: BP4, BP7